The following is an entry in ClinVar:

ClinVar aggregate classification (germline): Uncertain significance (1 of 4 stars; one submission).

Conditions:
Multiple mitochondrial dysfunctions syndrome 1 (MMDS1). Identifiers: Orphanet 401869, MedGen C3276432, MONDO:0011582, OMIM 605711.

Allele frequency attached by ClinVar (database versions not stated): gnomAD exomes below 0.00001.
gnomAD v4.1: 1 of 1,606,836 alleles (0.000062%); highest among the groups gnomAD compares: Non-Finnish European, 0.000085%; no homozygotes.

Submission:

Labcorp Genetics (formerly Invitae), Labcorp
Classification: Uncertain significance for Multiple mitochondrial dysfunctions syndrome 1. Last evaluated: 2022-08-16. Review status: criteria provided, single submitter. Criteria: Invitae Variant Classification Sherloc (09022015). Collection method: clinical testing. Allele origin: germline.
Comment: In summary, the available evidence is currently insufficient to determine the role of this variant in disease. Therefore, it has been classified as a Variant of Uncertain Significance. Algorithms developed to predict the effect of missense changes on protein structure and function are either unavailable or do not agree on the potential impact of this missense change (SIFT: "Deleterious"; PolyPhen-2: "Probably Damaging"; Align-GVGD: "Class C0"). This variant has not been reported in the literature in individuals affected with NFU1-related conditions. This variant is not present in population databases (gnomAD no frequency). This sequence change replaces proline, which is neutral and non-polar, with alanine, which is neutral and non-polar, at codon 67 of the NFU1 protein (p.Pro67Ala).

NM_001002755.4(NFU1):c.199C>G (p.Pro67Ala)

Gene: NFU1 (NFU1 iron-sulfur cluster scaffold; minus strand). Cytogenetic location: 2p13.3.
Variant type: single nucleotide variant.
Coding change: c.199C>G on transcript NM_001002755.4 (MANE Select); coding-DNA position 199, C replaced by G.
Protein change: p.Pro67Ala; replaces proline 67 with alanine.
Molecular consequence: missense variant. On other transcripts: intron variant (1).
Genome position (GRCh38, 1-based): chr2:69,423,685, G>C on the plus strand (C>G on the coding strand, the complement: NFU1 is on the minus strand). VCF-style: chr2-69423685-G-C. GRCh37 (hg19) VCF-style: chr2-69650817-G-C.
Other names: c.127C>G, p.Pro43Ala (NM_001374284.1, NM_015700.4); c.-121-4081C>G (NM_001002756.2); short protein forms P67A, P43A.
Identifiers: ClinVar variation 2187429 (VCV002187429.4), dbSNP rs1673344140, ClinGen allele CA347130093.
Genomic context (GRCh38, chr2:69,423,685, plus strand): 5'-CCATGGTCCTTGTCTCAAGAACTGGTTTTCCTGGTATAAACTTTAAGCTGTTTGGATTTG[G>C]GGTATCTTGTGTTTGAATAAACATGTATCTCACTAAAAAAGAAAAAGAAGAAAATGTTAT-3'
Protein context (NP_001002755.1, residues 57-77): RYMFIQTQDT[Pro67Ala]NPNSLKFIPG